The following is an entry in ClinVar:

ClinVar aggregate classification (germline): Uncertain significance. Review status: criteria provided, multiple submitters, no conflicts (2 of 4 stars). 2 submissions from 2 submitters: Uncertain significance (2). Last evaluated 2025-04-08.

Conditions:
Hereditary cancer-predisposing syndrome. Also called: Tumor predisposition; Hereditary Cancer Syndrome; Neoplastic Syndromes, Hereditary; Hereditary neoplastic syndrome. Identifiers: Orphanet 140162, MedGen C0027672, MeSH D009386, MONDO:0015356.
Neuroblastoma, susceptibility to, 3. Also called: ALK-Related Neuroblastic Tumor Susceptibility. Identifiers: Orphanet 635, MedGen C2751681, MONDO:0013083, OMIM 613014.

Submissions (2):

Labcorp Genetics (formerly Invitae), Labcorp
Classification: Uncertain significance for Neuroblastoma, susceptibility to, 3. Last evaluated: 2025-04-08. Review status: criteria provided, single submitter. Criteria: Invitae Variant Classification Sherloc (09022015). Collection method: clinical testing. Allele origin: germline.
Comment: This sequence change replaces aspartic acid, which is acidic and polar, with glutamic acid, which is acidic and polar, at codon 602 of the ALK protein (p.Asp602Glu). This variant is not present in population databases (gnomAD no frequency). This variant has not been reported in the literature in individuals affected with ALK-related conditions. ClinVar contains an entry for this variant (Variation ID: 1018849). An algorithm developed to predict the effect of missense changes on protein structure and function outputs the following: PolyPhen-2: "Benign". The glutamic acid amino acid residue is found in multiple mammalian species, which suggests that this missense change does not adversely affect protein function. In summary, the available evidence is currently insufficient to determine the role of this variant in disease. Therefore, it has been classified as a Variant of Uncertain Significance.

Ambry Genetics
Classification: Uncertain significance for Hereditary cancer-predisposing syndrome. Last evaluated: 2022-03-24. Review status: criteria provided, single submitter. Criteria: Ambry Variant Classification Scheme 2023. Collection method: clinical testing. Allele origin: germline.
Comment: The p.D602E variant (also known as c.1806T>G), located in coding exon 9 of the ALK gene, results from a T to G substitution at nucleotide position 1806. The aspartic acid at codon 602 is replaced by glutamic acid, an amino acid with highly similar properties. This amino acid position is conserved. In addition, this alteration is predicted to be tolerated by in silico analysis. Since supporting evidence is limited at this time, the clinical significance of this alteration remains unclear.

NM_004304.5(ALK):c.1806T>G (p.Asp602Glu)

Gene: ALK (ALK receptor tyrosine kinase; minus strand). Cytogenetic location: 2p23.2.
Variant type: single nucleotide variant.
Coding change: c.1806T>G on transcript NM_004304.5 (MANE Select); coding-DNA position 1806, T replaced by G.
Protein change: p.Asp602Glu; replaces aspartic acid 602 with glutamic acid.
Molecular consequence: missense variant.
Genome position (GRCh38, 1-based): chr2:29,296,899, A>C on the plus strand (T>G on the coding strand, the complement: ALK is on the minus strand). VCF-style: chr2-29296899-A-C. GRCh37 (hg19) VCF-style: chr2-29519765-A-C.
Other names: short protein forms D602E.
Identifiers: ClinVar variation 1018849 (VCV001018849.11), dbSNP rs753871185, ClinGen allele CA44642860.